The following is an entry in ClinVar:

ClinVar aggregate classification (germline): Uncertain significance (1 of 4 stars; one submission).

gnomAD v4.1: 2 of 1,613,698 alleles (0.00012%); highest among the groups gnomAD compares: South Asian, 0.0011%; no homozygotes.

Submission:

GeneDx
Classification: Uncertain significance. Last evaluated: 2024-04-24. Review status: criteria provided, single submitter. Criteria: GeneDx Variant Classification Process June 2021. Collection method: clinical testing. Allele origin: germline. Affected: yes.
Comment: In silico analysis supports that this missense variant has a deleterious effect on protein structure/function; Has not been previously published as pathogenic or benign to our knowledge.

NM_020719.3(PRR12):c.5918C>T (p.Ser1973Leu)

Gene: PRR12 (proline rich 12; plus strand). Cytogenetic location: 19q13.33.
Variant type: single nucleotide variant.
Coding change: c.5918C>T on transcript NM_020719.3 (MANE Select); coding-DNA position 5918, C replaced by T.
Protein change: p.Ser1973Leu; replaces serine 1973 with leucine.
Molecular consequence: missense variant.
Genome position (GRCh38, 1-based): chr19:49,625,154, C>T. VCF-style: chr19-49625154-C-T. GRCh37 (hg19) VCF-style: chr19-50128411-C-T.
Other names: short protein forms S1973L.
Identifiers: ClinVar variation 3373038 (VCV003373038.1).